The following is an entry in ClinVar:

ClinVar aggregate classification (germline): Uncertain significance (1 of 4 stars; one submission).

Allele frequency attached by ClinVar (database versions not stated): gnomAD 0.00001; TOPMed 0.00001; gnomAD exomes 0.00002 and 0.00006; ESP Exome Variant Server 0.00008; ExAC 0.00011.
gnomAD v4.1: 32 of 1,614,038 alleles (0.002%); highest among the groups gnomAD compares: Non-Finnish European, 0.0025%; no homozygotes.

Submission:

Labcorp Genetics (formerly Invitae), Labcorp
Classification: Uncertain significance. Last evaluated: 2022-12-15. Review status: criteria provided, single submitter. Criteria: Invitae Variant Classification Sherloc (09022015). Collection method: clinical testing. Allele origin: germline.
Comment: In summary, the available evidence is currently insufficient to determine the role of this variant in disease. Therefore, it has been classified as a Variant of Uncertain Significance. Advanced modeling of protein sequence and biophysical properties (such as structural, functional, and spatial information, amino acid conservation, physicochemical variation, residue mobility, and thermodynamic stability) performed at Invitae indicates that this missense variant is not expected to disrupt SNRNP200 protein function. ClinVar contains an entry for this variant (Variation ID: 1519958). This variant has not been reported in the literature in individuals affected with SNRNP200-related conditions. This variant is present in population databases (rs373189421, gnomAD 0.01%). This sequence change replaces arginine, which is basic and polar, with glutamine, which is neutral and polar, at codon 261 of the SNRNP200 protein (p.Arg261Gln).

NM_014014.5(SNRNP200):c.782G>A (p.Arg261Gln)

Gene: SNRNP200 (small nuclear ribonucleoprotein U5 subunit 200; minus strand). Cytogenetic location: 2q11.2.
Variant type: single nucleotide variant.
Coding change: c.782G>A on transcript NM_014014.5 (MANE Select); coding-DNA position 782, G replaced by A.
Protein change: p.Arg261Gln; replaces arginine 261 with glutamine.
Molecular consequence: missense variant.
Genome position (GRCh38, 1-based): chr2:96,298,915, C>T on the plus strand (G>A on the coding strand, the complement: SNRNP200 is on the minus strand). VCF-style: chr2-96298915-C-T. GRCh37 (hg19) VCF-style: chr2-96964653-C-T.
Other names: short protein forms R261Q.
Identifiers: ClinVar variation 1519958 (VCV001519958.8), dbSNP rs373189421, ClinGen allele CA1779076.